The following is an entry in ClinVar:

NM_001113378.2(FANCI):c.2011A>G (p.Ile671Val)

Gene: FANCI (FA complementation group I; plus strand). Cytogenetic location: 15q26.1.
Variant type: single nucleotide variant.
Coding change: c.2011A>G on transcript NM_001113378.2 (MANE Select); coding-DNA position 2011, A replaced by G.
Protein change: p.Ile671Val; replaces isoleucine 671 with valine.
Molecular consequence: missense variant.
Genome position (GRCh38, 1-based): chr15:89,292,706, A>G. VCF-style: chr15-89292706-A-G. GRCh37 (hg19) VCF-style: chr15-89835937-A-G.
Other names: c.1732A>G, p.Ile578Val (NM_001376910.1); c.2011A>G, p.Ile671Val (NM_001376911.1, NM_018193.3); short protein forms I671V, I578V.
Identifiers: ClinVar variation 238312 (VCV000238312.47), dbSNP rs139814895, ClinGen allele CA7723259.

ClinVar aggregate classification (germline): Benign/Likely benign. Review status: criteria provided, multiple submitters, no conflicts (2 of 4 stars). 8 submissions from 8 submitters: Benign (3); Likely benign (5). Last evaluated 2026-07-01.

Conditions:
Fanconi anemia (FA). Also called: Fanconi's anemia. Identifiers: Orphanet 84, MedGen C0015625, MeSH D005199, MONDO:0019391.
Fanconi anemia complementation group I (FANCI). Also called: FANCI-Related Fanconi Anemia. Identifiers: Orphanet 84, MedGen C1836861, MONDO:0012186, OMIM 609053.

Allele frequency attached by ClinVar (database versions not stated): 1000 Genomes Project 30x 0.00297; 1000 Genomes Project 0.00379; ExAC 0.00393; gnomAD exomes 0.00424 and 0.00203; ESP Exome Variant Server 0.00038; TOPMed 0.00117; gnomAD 0.00257 and 0.00274.
gnomAD v4.1: 3,411 of 1,613,706 alleles (0.21%); highest among the groups gnomAD compares: East Asian, 1.4%; 36 homozygotes.

Submissions (8):

CeGaT Center for Human Genetics Tuebingen
Classification: Likely benign. Last evaluated: 2026-07-01. Review status: criteria provided, single submitter. Criteria: CeGaT Center For Human Genetics Tuebingen Variant Classification Criteria Version 2. Collection method: clinical testing. Allele origin: germline. Affected: yes. Observed: 12 variant alleles.
Comment: FANCI: BP4

Labcorp Genetics (formerly Invitae), Labcorp
Classification: Benign for Fanconi anemia. Last evaluated: 2026-02-01. Review status: criteria provided, single submitter. Criteria: Invitae Variant Classification Sherloc (09022015). Collection method: clinical testing. Allele origin: germline.

Blueprint Genetics
Classification: Likely benign. Last evaluated: 2024-11-13. Review status: criteria provided, single submitter. Criteria: ACMG Guidelines, 2015. Collection method: clinical testing. Allele origin: germline.

Fulgent Genetics
Classification: Likely benign for Fanconi anemia complementation group I. Last evaluated: 2021-09-16. Review status: criteria provided, single submitter. Criteria: ACMG Guidelines, 2015. Collection method: clinical testing. Allele origin: unknown.

Genetic Services Laboratory, University of Chicago
Classification: Benign. Last evaluated: 2018-03-16. Review status: criteria provided, single submitter. Criteria: ACMG Guidelines, 2015. Collection method: clinical testing. Allele origin: germline. Affected: no.

Illumina Laboratory Services, Illumina
Classification: Benign for Fanconi anemia complementation group I. Last evaluated: 2018-01-12. Review status: criteria provided, single submitter. Criteria: ICSL Variant Classification Criteria 13 December 2019. Collection method: clinical testing. Allele origin: germline.
Comment: This variant was observed in the ICSL laboratory as part of a predisposition screen in an ostensibly healthy population. It had not been previously curated by ICSL or reported in the Human Gene Mutation Database (HGMD: prior to June 1st, 2018), and was therefore a candidate for classification through an automated scoring system. Utilizing variant allele frequency, disease prevalence and penetrance estimates, and inheritance mode, an automated score was calculated to assess if this variant is too frequent to cause the disease. Based on the score and internal cut-off values, a variant classified as benign is not then subjected to further curation. The score for this variant resulted in a classification of benign for this disease.

Center for Pediatric Genomic Medicine, Children's Mercy Hospital and Clinics
Classification: Likely benign. Last evaluated: 2017-01-11. Review status: criteria provided, single submitter. Criteria: ACMG Guidelines, 2015. Collection method: clinical testing. Allele origin: germline.
ClinVar note: Converted during submission from Likely Benign to Likely benign.

Breakthrough Genomics
Classification: Likely benign. Review status: criteria provided, single submitter. Criteria: ACMG Guidelines, 2015. Collection method: not provided. Allele origin: germline. Inheritance: Autosomal recessive inheritance. Affected: yes.